The following is an entry in ClinVar:

ClinVar aggregate classification (germline): Conflicting classifications of pathogenicity. Review status: criteria provided, conflicting classifications (1 of 4 stars). 3 submissions from 3 submitters: Uncertain significance (2); Likely benign (1). Last evaluated 2025-07-31.

Conditions:
POLD1-related polyposis and colorectal cancer syndrome (CRCS10). Also called: Colorectal cancer 10; COLORECTAL CANCER, SUSCEPTIBILITY TO, ON CHROMOSOME 19q; Colorectal cancer, susceptibility to, 10. Identifiers: Orphanet 220460, MedGen C2675481, MONDO:0012953, OMIM 612591.
Hereditary cancer-predisposing syndrome. Also called: Tumor predisposition; Neoplastic Syndromes, Hereditary; Hereditary Cancer Syndrome; Hereditary neoplastic syndrome. Identifiers: Orphanet 140162, MedGen C0027672, MeSH D009386, MONDO:0015356.

Allele frequency attached by ClinVar (database versions not stated): gnomAD 0.00001; TOPMed 0.00003.
gnomAD v4.1: 8 of 1,606,010 alleles (0.0005%); highest among the groups gnomAD compares: African/African-American, 0.0054%; no homozygotes.

Submissions (3):

Labcorp Genetics (formerly Invitae), Labcorp
Classification: Uncertain significance for POLD1-related polyposis and colorectal cancer syndrome. Last evaluated: 2025-07-31. Review status: criteria provided, single submitter. Criteria: Invitae Variant Classification Sherloc (09022015). Collection method: clinical testing. Allele origin: germline.
Comment: This sequence change replaces valine, which is neutral and non-polar, with methionine, which is neutral and non-polar, at codon 220 of the POLD1 protein (p.Val220Met). This variant is present in population databases (rs749052483, gnomAD 0.03%). This variant has not been reported in the literature in individuals affected with POLD1-related conditions. ClinVar contains an entry for this variant (Variation ID: 537129). Invitae Evidence Modeling of protein sequence and biophysical properties (such as structural, functional, and spatial information, amino acid conservation, physicochemical variation, residue mobility, and thermodynamic stability) indicates that this missense variant is not expected to disrupt POLD1 protein function with a negative predictive value of 80%. In summary, the available evidence is currently insufficient to determine the role of this variant in disease. Therefore, it has been classified as a Variant of Uncertain Significance.

GeneDx
Classification: Uncertain significance. Last evaluated: 2022-06-16. Review status: criteria provided, single submitter. Criteria: GeneDx Variant Classification Process June 2021. Collection method: clinical testing. Allele origin: germline. Affected: yes.
Comment: Not observed at a significant frequency in large population cohorts (gnomAD); In silico analysis supports that this missense variant does not alter protein structure/function; Has not been previously published as pathogenic or benign to our knowledge

Ambry Genetics
Classification: Likely benign for Hereditary cancer-predisposing syndrome. Last evaluated: 2021-06-10. Review status: criteria provided, single submitter. Criteria: Ambry Variant Classification Scheme 2023. Collection method: clinical testing. Allele origin: germline.

NM_002691.4(POLD1):c.658G>A (p.Val220Met)

Gene: POLD1 (DNA polymerase delta 1, catalytic subunit; plus strand). Cytogenetic location: 19q13.33.
Variant type: single nucleotide variant.
Coding change: c.658G>A on transcript NM_002691.4 (MANE Select); coding-DNA position 658, G replaced by A.
Protein change: p.Val220Met; replaces valine 220 with methionine.
Molecular consequence: missense variant. On other transcripts: non-coding transcript variant (1).
Genome position (GRCh38, 1-based): chr19:50,402,273, G>A. VCF-style: chr19-50402273-G-A. GRCh37 (hg19) VCF-style: chr19-50905530-G-A.
Other names: c.658G>A, p.Val220Met (NM_001256849.1, NM_001308632.1); short protein forms V220M.
Identifiers: ClinVar variation 537129 (VCV000537129.16), dbSNP rs749052483, ClinGen allele CA9595853.